The following is an entry in ClinVar:

ClinVar aggregate classification (germline): Conflicting classifications of pathogenicity. Review status: criteria provided, conflicting classifications (1 of 4 stars). 3 submissions from 3 submitters: Uncertain significance (1); Likely benign (2). Last evaluated 2026-08-25.

Conditions:
MBD4-related disorder. Also called: MBD4-related condition.

Allele frequency attached by ClinVar (database versions not stated): gnomAD exomes 0.00007 and 0.00039; ExAC 0.00040; 1000 Genomes Project 0.00060; 1000 Genomes Project 30x 0.00062.

Submissions (4):

PreventionGenetics, part of Exact Sciences
Classification: Likely benign for MBD4-related condition. Last evaluated: 2026-08-25. Review status: criteria provided, single submitter. Criteria: ACMG Guidelines, 2015. Collection method: clinical testing. Allele origin: germline.
Comment: This variant is classified as likely benign based on ACMG/AMP sequence variant interpretation guidelines (Richards et al. 2015 PMID: 25741868, with internal and published modifications).

Labcorp Genetics (formerly Invitae), Labcorp
Classification: Likely benign. Last evaluated: 2026-01-27. Review status: criteria provided, single submitter. Criteria: Invitae Variant Classification Sherloc (09022015). Collection method: clinical testing. Allele origin: germline.

Genetic Services Laboratory, University of Chicago
Classification: Uncertain significance. Last evaluated: 2021-08-04. Review status: criteria provided, single submitter. Criteria: ACMG Guidelines, 2015. Collection method: clinical testing. Allele origin: germline. Affected: no.

Dr. Peter K. Rogan Lab, Western University
No classification provided (evidence only). Condition: Malignant lymphoma, large B-cell, diffuse. Review status: no classification provided. Collection method: in vitro. Allele origin: not applicable. Functional consequence: retained intron. Not counted in ClinVar's aggregate classification.

NM_001276270.2(MBD4):c.1183+17A>G

Gene: MBD4 (methyl-CpG binding domain 4, DNA glycosylase; minus strand). Cytogenetic location: 3q21.3.
Variant type: single nucleotide variant.
Coding change: c.1183+17A>G on transcript NM_001276270.2 (MANE Select); 17 bases into the intron after coding-DNA position 1183, A replaced by G.
Molecular consequence: intron variant. On other transcripts: synonymous variant (3).
Genome position (GRCh38, 1-based): chr3:129,436,444, T>C on the plus strand (A>G on the coding strand, the complement: MBD4 is on the minus strand). VCF-style: chr3-129436444-T-C. GRCh37 (hg19) VCF-style: chr3-129155287-T-C.
Other names: c.1200A>G, p.Gln400= (NM_001276271.2, NM_001276272.2, NM_003925.3); c.247+1364A>G (NM_001276273.2).
Identifiers: ClinVar variation 1338035 (VCV001338035.10), dbSNP rs199597858, ClinGen allele CA2605402.